The following is an entry in ClinVar:

ClinVar aggregate classification (germline): Uncertain significance. Review status: criteria provided, multiple submitters, no conflicts (2 of 4 stars). 4 submissions from 4 submitters: Uncertain significance (4). Last evaluated 2025-08-07.

Conditions:
Autosomal recessive early-onset Parkinson disease 6 (PARK6). Also called: PARKINSON DISEASE 6, EARLY-ONSET; PINK1-Related Parkinson Disease; PARKINSON DISEASE 6, MODIFIER OF; PINK1 Type of Young-Onset Parkinson Disease. Identifiers: Orphanet 2828, MedGen C1853833, MONDO:0011613, OMIM 605909.

Allele frequency attached by ClinVar (database versions not stated): gnomAD exomes 0.00005 and 0.00007; gnomAD 0.00006; ExAC 0.00007; TOPMed 0.00009; ESP Exome Variant Server 0.00015.
gnomAD v4.1: 108 of 1,614,030 alleles (0.0067%); highest among the groups gnomAD compares: Middle Eastern, 0.016%; no homozygotes.

Submissions (4):

Labcorp Genetics (formerly Invitae), Labcorp
Classification: Uncertain significance for Autosomal recessive early-onset Parkinson disease 6. Last evaluated: 2025-08-07. Review status: criteria provided, single submitter. Criteria: Invitae Variant Classification Sherloc (09022015). Collection method: clinical testing. Allele origin: germline.
Comment: This sequence change replaces aspartic acid, which is acidic and polar, with asparagine, which is neutral and polar, at codon 366 of the PINK1 protein (p.Asp366Asn). This variant is present in population databases (rs200729715, gnomAD 0.01%). This missense change has been observed in individual(s) with Parkinson disease (PMID: 17415511). ClinVar contains an entry for this variant (Variation ID: 662914). Invitae Evidence Modeling of protein sequence and biophysical properties (such as structural, functional, and spatial information, amino acid conservation, physicochemical variation, residue mobility, and thermodynamic stability) indicates that this missense variant is not expected to disrupt PINK1 protein function with a negative predictive value of 95%. In summary, the available evidence is currently insufficient to determine the role of this variant in disease. Therefore, it has been classified as a Variant of Uncertain Significance.

GeneDx
Classification: Uncertain significance. Last evaluated: 2024-06-13. Review status: criteria provided, single submitter. Criteria: GeneDx Variant Classification Process June 2021. Collection method: clinical testing. Allele origin: germline. Affected: yes.
Comment: Reported in the heterozygous state in a patient with Parkinson disease in published literature (PMID: 17415511); Not observed at significant frequency in large population cohorts (gnomAD); In silico analysis supports that this missense variant has a deleterious effect on protein structure/function; This variant is associated with the following publications: (PMID: 17415511)

Mayo Clinic Laboratories, Mayo Clinic
Classification: Uncertain significance. Last evaluated: 2023-05-10. Review status: criteria provided, single submitter. Criteria: ACMG Guidelines, 2015. Collection method: clinical testing. Allele origin: germline. Observed: 1 variant allele.

Illumina Laboratory Services, Illumina
Classification: Uncertain significance for Autosomal recessive early-onset Parkinson disease 6. Last evaluated: 2017-04-27. Review status: criteria provided, single submitter. Criteria: ICSL Variant Classification Criteria 13 December 2019. Collection method: clinical testing. Allele origin: germline.

Literature cited by the submitters: PubMed 17415511 (cited by Labcorp Genetics (formerly Invitae), Labcorp and Mayo Clinic Laboratories, Mayo Clinic).

NM_032409.3(PINK1):c.1096G>A (p.Asp366Asn)

Genes: PINK1 (PTEN induced kinase 1; plus strand), PINK1-AS (PINK1 antisense RNA; minus strand). Cytogenetic location: 1p36.12.
Variant type: single nucleotide variant.
Coding change: c.1096G>A on transcript NM_032409.3 (MANE Select); coding-DNA position 1096, G replaced by A.
Protein change: p.Asp366Asn; replaces aspartic acid 366 with asparagine.
Molecular consequence: missense variant.
Genome position (GRCh38, 1-based): chr1:20,645,696, G>A. VCF-style: chr1-20645696-G-A. GRCh37 (hg19) VCF-style: chr1-20972189-G-A.
Other names: p.Asp366Asn; short protein forms D366N.
Identifiers: ClinVar variation 662914 (VCV000662914.13), dbSNP rs200729715, ClinGen allele CA660685.